The following is an entry in ClinVar:

ClinVar aggregate classification (germline): Likely benign (1 of 4 stars; one submission).

Submission:

CeGaT Center for Human Genetics Tuebingen
Classification: Likely benign. Last evaluated: 2026-01-01. Review status: criteria provided, single submitter. Criteria: CeGaT Center For Human Genetics Tuebingen Variant Classification Criteria Version 2. Collection method: clinical testing. Allele origin: germline. Affected: yes. Observed: 1 variant allele.
Comment: RELN: PM2:Supporting, BP4, BP7

NM_005045.4(RELN):c.5814C>A (p.Ile1938=)

Gene: RELN (reelin; minus strand). Cytogenetic location: 7q22.1.
Variant type: single nucleotide variant.
Coding change: c.5814C>A on transcript NM_005045.4 (MANE Select); coding-DNA position 5814, C replaced by A.
Protein change: p.Ile1938=; no amino-acid change (isoleucine 1938 retained).
Molecular consequence: synonymous variant.
Genome position (GRCh38, 1-based): chr7:103,553,815, G>T on the plus strand (C>A on the coding strand, the complement: RELN is on the minus strand). VCF-style: chr7-103553815-G-T. GRCh37 (hg19) VCF-style: chr7-103194262-G-T.
Other names: c.5814C>A, p.Ile1938= (NM_173054.3).
Identifiers: ClinVar variation 4823143 (VCV004823143.4).
Genomic context (GRCh38, chr7:103,553,815, plus strand): 5'-CAAGAGCATCACAGGGTTGTTTACATTATTTCCATCGATAATGAAGTCATCAACAATCCA[G>T]ATTTCTTCTTTCTTACCTAAGGCATTTTTGGATAAAGCAAGTTTTTCCAGTGATGAAAAT-3'
Protein context (NP_005036.2, residues 1928-1948): QPYNNGKKEE[Ile1938=]WIVDDFIIDG